The following is an entry in ClinVar:

NM_001408.3(CELSR2):c.6247C>T (p.Arg2083Trp)

Gene: CELSR2 (cadherin EGF LAG seven-pass G-type receptor 2; plus strand). Cytogenetic location: 1p13.3.
Variant type: single nucleotide variant.
Coding change: c.6247C>T on transcript NM_001408.3 (MANE Select); coding-DNA position 6247, C replaced by T.
Protein change: p.Arg2083Trp; replaces arginine 2083 with tryptophan.
Molecular consequence: missense variant.
Genome position (GRCh38, 1-based): chr1:109,267,989, C>T. VCF-style: chr1-109267989-C-T. GRCh37 (hg19) VCF-style: chr1-109810611-C-T.
Other names: short protein forms R2083W.
Identifiers: ClinVar variation 1899157 (VCV001899157.6), dbSNP rs772863063, ClinGen allele CA987822.

ClinVar aggregate classification (germline): Uncertain significance. Review status: criteria provided, multiple submitters, no conflicts (2 of 4 stars). 2 submissions from 2 submitters: Uncertain significance (2). Last evaluated 2023-12-06.

Allele frequency attached by ClinVar (database versions not stated): ExAC 0.00001; gnomAD 0.00002; TOPMed 0.00002.
gnomAD v4.1: 33 of 1,610,584 alleles (0.002%); highest among the groups gnomAD compares: East Asian, 0.0022%; no homozygotes.

Submissions (2):

Labcorp Genetics (formerly Invitae), Labcorp
Classification: Uncertain significance. Last evaluated: 2023-12-06. Review status: criteria provided, single submitter. Criteria: Invitae Variant Classification Sherloc (09022015). Collection method: clinical testing. Allele origin: germline.
Comment: This sequence change replaces arginine, which is basic and polar, with tryptophan, which is neutral and slightly polar, at codon 2083 of the CELSR2 protein (p.Arg2083Trp). This variant is present in population databases (rs772863063, gnomAD 0.004%). This variant has not been reported in the literature in individuals affected with CELSR2-related conditions. ClinVar contains an entry for this variant (Variation ID: 1899157). Advanced modeling of protein sequence and biophysical properties (such as structural, functional, and spatial information, amino acid conservation, physicochemical variation, residue mobility, and thermodynamic stability) performed at Invitae indicates that this missense variant is not expected to disrupt CELSR2 protein function with a negative predictive value of 80%. In summary, the available evidence is currently insufficient to determine the role of this variant in disease. Therefore, it has been classified as a Variant of Uncertain Significance.

Ambry Genetics
Classification: Uncertain significance. Last evaluated: 2022-12-01. Review status: criteria provided, single submitter. Criteria: Ambry Variant Classification Scheme 2023. Collection method: clinical testing. Allele origin: germline.